The following is an entry in ClinVar:

NM_001254.4(CDC6):c.897G>A (p.Thr299=)

Gene: CDC6 (cell division cycle 6; plus strand). Cytogenetic location: 17q21.2.
Variant type: single nucleotide variant.
Coding change: c.897G>A on transcript NM_001254.4 (MANE Select); coding-DNA position 897, G replaced by A.
Protein change: p.Thr299=; no amino-acid change (threonine 299 retained).
Molecular consequence: synonymous variant.
Genome position (GRCh38, 1-based): chr17:40,294,010, G>A. VCF-style: chr17-40294010-G-A. GRCh37 (hg19) VCF-style: chr17-38450262-G-A.
Identifiers: ClinVar variation 434626 (VCV000434626.38), dbSNP rs193186571, ClinGen allele CA8542004.

ClinVar aggregate classification (germline): Conflicting classifications of pathogenicity. Review status: criteria provided, conflicting classifications (1 of 4 stars). 5 submissions from 5 submitters: Uncertain significance (1); Likely benign (4). Last evaluated 2026-01-04.

Conditions:
Meier-Gorlin syndrome 5 (MGORS5). Identifiers: Orphanet 2554, MedGen C3151126, MONDO:0013432, OMIM 613805.

Allele frequency attached by ClinVar (database versions not stated): gnomAD exomes 0.00035; ExAC 0.00039; gnomAD 0.00040 and 0.00042; TOPMed 0.00044; ESP Exome Variant Server 0.00069; 1000 Genomes Project 30x 0.00078; 1000 Genomes Project 0.00080.

Submissions (5):

Labcorp Genetics (formerly Invitae), Labcorp
Classification: Likely benign. Last evaluated: 2026-01-04. Review status: criteria provided, single submitter. Criteria: Invitae Variant Classification Sherloc (09022015). Collection method: clinical testing. Allele origin: germline.

Blueprint Genetics
Classification: Likely benign. Last evaluated: 2024-08-22. Review status: criteria provided, single submitter. Criteria: ACMG Guidelines, 2015. Collection method: clinical testing. Allele origin: germline.

CeGaT Center for Human Genetics Tuebingen
Classification: Likely benign. Last evaluated: 2024-06-01. Review status: criteria provided, single submitter. Criteria: CeGaT Center For Human Genetics Tuebingen Variant Classification Criteria Version 2. Collection method: clinical testing. Allele origin: germline. Affected: yes. Observed: 1 variant allele.
Comment: CDC6: BP4, BP7

Illumina Laboratory Services, Illumina
Classification: Uncertain significance for Meier-Gorlin syndrome 5. Last evaluated: 2018-01-12. Review status: criteria provided, single submitter. Criteria: ICSL Variant Classification Criteria 13 December 2019. Collection method: clinical testing. Allele origin: germline.

Genetic Services Laboratory, University of Chicago
Classification: Likely benign. Last evaluated: 2017-04-13. Review status: criteria provided, single submitter. Criteria: ACMG Guidelines, 2015. Collection method: clinical testing. Allele origin: germline. Affected: no.